The following is an entry in ClinVar:

NM_001204.7(BMPR2):c.2636A>G (p.His879Arg)

Gene: BMPR2 (bone morphogenetic protein receptor type 2; plus strand). Cytogenetic location: 2q33.2.
Variant type: single nucleotide variant.
Coding change: c.2636A>G on transcript NM_001204.7 (MANE Select); coding-DNA position 2636, A replaced by G.
Protein change: p.His879Arg; replaces histidine 879 with arginine.
Molecular consequence: missense variant.
Genome position (GRCh38, 1-based): chr2:202,556,301, A>G. VCF-style: chr2-202556301-A-G. GRCh37 (hg19) VCF-style: chr2-203421024-A-G.
Other names: short protein forms H879R.
Identifiers: ClinVar variation 3481351 (VCV003481351.1).

ClinVar aggregate classification (germline): Uncertain significance (1 of 4 stars; one submission).

Conditions:
Inborn genetic diseases. Identifiers: MedGen C0950123, MeSH D030342.

gnomAD v4.1: 1 of 1,614,126 alleles (0.000062%); highest among the groups gnomAD compares: Non-Finnish European, 0.000085%; no homozygotes.

Submission:

Ambry Genetics
Classification: Uncertain significance for Inborn genetic diseases. Last evaluated: 2024-12-08. Review status: criteria provided, single submitter. Criteria: Ambry Variant Classification Scheme 2023. Collection method: clinical testing. Allele origin: germline.
Comment: The p.H879R variant (also known as c.2636A>G), located in coding exon 12 of the BMPR2 gene, results from an A to G substitution at nucleotide position 2636. The histidine at codon 879 is replaced by arginine, an amino acid with highly similar properties. This amino acid position is conserved. In addition, this alteration is predicted to be tolerated by in silico analysis. Based on the available evidence, the clinical significance of this variant remains unclear.